The following is an entry in ClinVar:

ClinVar aggregate classification (germline): Pathogenic. Review status: criteria provided, multiple submitters, no conflicts (2 of 4 stars). 23 submissions from 22 submitters: Pathogenic (18). 5 of the submissions do not count toward it. Last evaluated 2026-09-24.

Conditions:
TSC1-related disorder. Also called: TSC1-related condition.
Hereditary cancer-predisposing syndrome. Also called: Hereditary Cancer Syndrome; Neoplastic Syndromes, Hereditary; Hereditary neoplastic syndrome; Tumor predisposition. Identifiers: Orphanet 140162, MedGen C0027672, MeSH D009386, MONDO:0015356.
Lymphangiomyomatosis (LAM). Also called: Lymphangioleiomyomatosis; Lymphangioleiomyomatosis, somatic. Identifiers: Orphanet 538, MedGen C0751674, MONDO:0011705, OMIM 606690.
Isolated focal cortical dysplasia type II (FCORD2). Also called: Focal cortical dysplasia type II; CORTICAL DYSPLASIA OF TAYLOR. Identifiers: Orphanet 268994, MedGen C1846385, MONDO:0011818, OMIM 607341, HP:0032051.
Tuberous sclerosis 1 (TSC1). Identifiers: Orphanet 805, MedGen C1854465, MONDO:0008612, OMIM 191100.
Tuberous sclerosis syndrome (TSC). Also called: Tuberous Sclerosis Complex; Tuberous sclerosis. Identifiers: Orphanet 805, MedGen C0041341, MONDO:0001734.
Malignant tumor of urinary bladder. Also called: Urinary Bladder Neoplasms; Bladder cancer; Urinary bladder cancer. Identifiers: MedGen C0005684, MONDO:0001187, OMIM 109800.

Submissions 1 to 10 of 23:

PreventionGenetics, part of Exact Sciences
Classification: Pathogenic for TSC1-related condition. Last evaluated: 2026-09-24. Review status: criteria provided, single submitter. Criteria: ACMG Guidelines, 2015. Collection method: clinical testing. Allele origin: germline.
Comment: The TSC1 c.1525C>T variant is predicted to result in premature protein termination (p.Arg509*). This variant has been reported in patients with Tuberous sclerosis (reported as 1746C>T, R509X, van Slegtenhorst et al. 1997. PubMed ID: 9242607; suppl. Table 2, Bąbol-Pokora et al. 2021. PubMed ID: 34403804; Ng et al. 2022. PubMed ID: 35918040) and occurred de novo in at least one individual (suppl. Table 1, Ding et al. 2020. PubMed ID: 32211034 ). This variant has not been reported in a large population database (gnomAD), indicating this variant is rare. Nonsense variants in TSC1 are expected to be pathogenic. This variant is interpreted as pathogenic.

Institute of Human Genetics, Heidelberg University
Classification: Pathogenic for Tuberous sclerosis 1. Last evaluated: 2026-08-19. Review status: criteria provided, single submitter. Criteria: ACMG Guidelines, 2015. Collection method: clinical testing. Allele origin: de novo. Affected: yes. Observed: 1 variant allele.
Comment: PVS1, PM2_supp, PS2

Broad Center for Mendelian Genomics, Broad Institute of MIT and Harvard
Classification: Pathogenic for Tuberous sclerosis 1. Last evaluated: 2026-03-02. Review status: criteria provided, single submitter. Criteria: ACMG Guidelines, 2015. Collection method: research. Allele origin: germline. Inheritance: Autosomal dominant inheritance.
Comment: Trio exome analysis showed this variant to be de novo. The p.Arg509Ter variant in TSC1 has been reported in over 10 individuals with tuberous sclerosis 1 (PMID: 29932062, 29655203, 28087349, 22490766, 20547222), and was absent from large population studies. The number of reported affected individuals with this variant is greater than expected compared to non-affected individuals with this variant. This variant has also been reported in ClinVar (Variation ID: 48796) and has been interpreted as Pathogenic by several labs. This nonsense variant leads to a premature termination codon at position 509, which is predicted to lead to a truncated or absent protein. Heterozygous loss of function of the TSC1 gene is an established disease mechanism in tuberous sclerosis 1. In summary, this variant meets criteria to be classified as pathogenic for autosomal dominant tuberous sclerosis 1. ACMG/AMP Criteria applied: PVS1, PS2, PS4, PM2_supporting (Richards 2015).

Labcorp Genetics (formerly Invitae), Labcorp
Classification: Pathogenic for Tuberous sclerosis 1. Last evaluated: 2026-01-28. Review status: criteria provided, single submitter. Criteria: Invitae Variant Classification Sherloc (09022015). Collection method: clinical testing. Allele origin: germline.
Comment: This sequence change creates a premature translational stop signal (p.Arg509*) in the TSC1 gene. It is expected to result in an absent or disrupted protein product. Loss-of-function variants in TSC1 are known to be pathogenic (PMID: 10227394, 17304050). This variant is not present in population databases (gnomAD no frequency). This premature translational stop signal has been observed in individual(s) with tuberous sclerosis complex (PMID: 9242607, 9863590, 9924605, 11112665, 16981987, 20547222, 21520333, 25900779). Invitae Evidence Modeling of clinical and family history, age, sex, and reported ancestry of multiple individuals with this TSC1 variant has been performed. This variant is expected to be pathogenic with a positive predictive value of at least 99%. This is a validated machine learning model that incorporates the clinical features of 1,224,362 individuals referred to our laboratory for TSC1 testing. This variant is also known as 1746C>T. ClinVar contains an entry for this variant (Variation ID: 48796). Algorithms developed to predict the effect of sequence changes on RNA splicing suggest that this variant may disrupt the consensus splice site. For these reasons, this variant has been classified as Pathogenic.

Women's Health and Genetics/Laboratory Corporation of America, LabCorp
Classification: Pathogenic for Tuberous sclerosis syndrome. Last evaluated: 2025-12-29. Review status: criteria provided, single submitter. Criteria: LabCorp Variant Classification Summary - May 2015. Collection method: clinical testing. Allele origin: germline.
Comment: Variant summary: TSC1 c.1525C>T (p.Arg509X) results in a premature termination codon, predicted to cause a truncation of the encoded protein or absence of the protein due to nonsense mediated decay, which are commonly known mechanisms for disease. The variant was absent in 250572 control chromosomes. c.1525C>T has been observed in individual(s) affected with Tuberous Sclerosis Complex (example Zhang_2015). These report(s) do not provide unequivocal conclusions about association of the variant with Tuberous Sclerosis Complex. The following publication has been ascertained in the context of this evaluation (PMID: 25900779). ClinVar contains an entry for this variant (Variation ID: 48796). Based on the evidence outlined above, the variant was classified as pathogenic.

Ambry Genetics
Classification: Pathogenic for Hereditary cancer-predisposing syndrome. Last evaluated: 2025-03-13. Review status: criteria provided, single submitter. Criteria: Ambry Variant Classification Scheme 2023. Collection method: clinical testing. Allele origin: germline.
Comment: The p.R509* pathogenic mutation (also known as c.1525C>T), located in coding exon 13 of the TSC1 gene, results from a C to T substitution at nucleotide position 1525. This changes the amino acid from an arginine to a stop codon within coding exon 13. This variant was reported in individual(s) with features consistent with tuberous sclerosis complex (van Slegtenhorst M et al. Science. 1997 Aug;277:805-8; Zhang H et al. J. Hum. Genet. 1999;44:391-6; Zhang Y et al. Neuromolecular Med. 2015 Jun;17:202-8; Ambry internal data). This variant is considered to be rare based on population cohorts in the Genome Aggregation Database (gnomAD). This alteration is expected to result in loss of function by premature protein truncation or nonsense-mediated mRNA decay. As such, this alteration is interpreted as a disease-causing mutation.

Department of Pathology and Laboratory Medicine, Sinai Health System
Classification: Pathogenic for Tuberous sclerosis 1; Lymphangiomyomatosis; Isolated focal cortical dysplasia type II. Last evaluated: 2024-09-04. Review status: criteria provided, single submitter. Criteria: ACMG Guidelines, 2015. Collection method: clinical testing. Allele origin: germline.

Athena Diagnostics
Classification: Pathogenic. Last evaluated: 2024-01-31. Review status: criteria provided, single submitter. Criteria: Athena Diagnostics Criteria. Collection method: clinical testing. Allele origin: unknown.
Comment: This variant is expected to result in the loss of a functional protein. This variant has been identified in multiple unrelated individuals with clinical features associated with this gene. This variant has not been reported in large, multi-ethnic general populations.

Quest Diagnostics Nichols Institute San Juan Capistrano
Classification: Pathogenic. Last evaluated: 2023-09-25. Review status: criteria provided, single submitter. Criteria: Quest Diagnostics criteria. Collection method: clinical testing. Allele origin: unknown.
Comment: The TSC1 c.1525C>T (p.Arg509*) variant has been reported in the published literature in affected individuals with tuberous scelorosis complex (PMIDs: 9242607 (1997), 9328481 (1997), 9863590 (1998), 9924605 (1998), 16981987 (2006), 25900779 (2015), 32211034 (2020), 34403804 (2021), and 35918040 (2022)). It has also been reported in patients with epilepsy (PMIDs: 29655203 (2018) and 32655475 (2020)). A functional study demonstrated that this variant is damaging to protein function (PMID: 20547222 (2010)). This variant has not been reported in large, multi-ethnic general populations (Genome Aggregation Database). Based on the available information, this variant is classified as pathogenic.

3billion
Classification: Pathogenic for Tuberous sclerosis 1. Last evaluated: 2023-02-23. Review status: criteria provided, single submitter. Criteria: ACMG Guidelines, 2015. Collection method: clinical testing. Allele origin: unknown. Affected: yes.
Comment: The variant is not observed in the gnomAD v2.1.1 dataset. This variant was predicted to result in a loss or disruption of normal protein function through nonsense-mediated decay (NMD) or protein truncation. Multiple pathogenic variants are reported downstream of the variant. The variant has been reported at least twice as pathogenic with clinical assertions and evidence for the classification (ClinVar ID: VCV000048796 / PMID: 9242607). Therefore, this variant is classified as Pathogenic according to the recommendation of ACMG/AMP guideline.

NM_000368.5(TSC1):c.1525C>T (p.Arg509Ter)

Gene: TSC1 (TSC complex subunit 1; minus strand). Cytogenetic location: 9q34.13.
Variant type: single nucleotide variant.
Coding change: c.1525C>T on transcript NM_000368.5 (MANE Select); coding-DNA position 1525, C replaced by T.
Protein change: p.Arg509Ter; replaces arginine 509 with a stop codon.
Molecular consequence: nonsense.
Genome position (GRCh38, 1-based): chr9:132,906,053, G>A on the plus strand (C>T on the coding strand, the complement: TSC1 is on the minus strand). VCF-style: chr9-132906053-G-A. GRCh37 (hg19) VCF-style: chr9-135781440-G-A.
Other names: p.R509*:CGA>TGA; NM_000368.5(TSC1):c.1525C>T; p.Arg509Ter; c.1522C>T, p.Arg508Ter (NM_001162426.2); c.1372C>T, p.Arg458Ter (NM_001162427.2); c.1162C>T, p.Arg388Ter (NM_001362177.2); short protein forms R509*, R458*, R388*, R508*.
Identifiers: ClinVar variation 48796 (VCV000048796.57), dbSNP rs118203542, ClinGen allele CA004986.